The following is an entry in ClinVar:

ClinVar aggregate classification (germline): Likely benign. Review status: criteria provided, multiple submitters, no conflicts (2 of 4 stars). 2 submissions from 2 submitters: Likely benign (2). Last evaluated 2026-01-02.

Conditions:
Aneurysm-osteoarthritis syndrome. Also called: SMAD3-Related Loeys-Dietz Syndrome; Loeys-Dietz syndrome, type 1C; ANEURYSMS-OSTEOARTHRITIS SYNDROME; LOEYS-DIETZ SYNDROME WITH OSTEOARTHRITIS. Identifiers: Orphanet 284984, MedGen C3151087, MONDO:0013426, OMIM 613795.
Familial thoracic aortic aneurysm and aortic dissection (TAAD). Also called: Thoracic aortic aneurysms and dissections. Identifiers: Orphanet 91387, MedGen C4707243, MONDO:0019625.

Allele frequency attached by ClinVar (database versions not stated): TOPMed 0.00002.

Submissions (2):

Labcorp Genetics (formerly Invitae), Labcorp
Classification: Likely benign for Familial thoracic aortic aneurysm and aortic dissection. Last evaluated: 2026-01-02. Review status: criteria provided, single submitter. Criteria: Invitae Variant Classification Sherloc (09022015). Collection method: clinical testing. Allele origin: germline.

All of Us Research Program, National Institutes of Health
Classification: Likely benign for Aneurysm-osteoarthritis syndrome. Last evaluated: 2023-06-08. Review status: criteria provided, single submitter. Criteria: ACMG Guidelines, 2015. Collection method: clinical testing. Allele origin: germline. Inheritance: Autosomal dominant inheritance. Observed: 1 variant allele, 1 heterozygote.
Comment: This study involves interpretation of variants in research participants for the purpose of population health screening. Participant phenotype was not available at the time of variant classification. Additional details can be found in publication PMID: 35346344, PMCID: PMC8962531

NM_005902.4(SMAD3):c.533-5C>T

Gene: SMAD3 (SMAD family member 3; plus strand). Cytogenetic location: 15q22.33.
Variant type: single nucleotide variant.
Coding change: c.533-5C>T on transcript NM_005902.4 (MANE Select); 5 bases into the intron before coding-DNA position 533, C replaced by T.
Molecular consequence: intron variant.
Genome position (GRCh38, 1-based): chr15:67,166,774, C>T. VCF-style: chr15-67166774-C-T. GRCh37 (hg19) VCF-style: chr15-67459112-C-T.
Other names: c.218-5C>T (NM_001145102.2); c.401-5C>T (NM_001145103.2); c.-53-5C>T (NM_001145104.2).
Identifiers: ClinVar variation 2194328 (VCV002194328.5), dbSNP rs1001491823, ClinGen allele CA272378852.